The following is an entry in ClinVar:

NM_020821.3(VPS13C):c.385+1G>A

Gene: VPS13C (vacuolar protein sorting 13 homolog C; minus strand). Cytogenetic location: 15q22.2.
Variant type: single nucleotide variant.
Coding change: c.385+1G>A on transcript NM_020821.3 (MANE Select); the canonical splice donor site of the intron after coding-DNA position 385, G replaced by A.
Molecular consequence: splice donor variant.
Genome position (GRCh38, 1-based): chr15:62,033,440, C>T on the plus strand (G>A on the coding strand, the complement: VPS13C is on the minus strand). VCF-style: chr15-62033440-C-T. GRCh37 (hg19) VCF-style: chr15-62325639-C-T.
Other names: c.385+1G>A (NM_017684.5, NM_018080.4, NM_001018088.3).
Identifiers: ClinVar variation 4848396 (VCV004848396.1).

ClinVar aggregate classification (germline): Likely pathogenic (1 of 4 stars; one submission).

Conditions:
Autosomal recessive early-onset Parkinson disease 23. Identifiers: Orphanet 2828, MedGen C4225186, MONDO:0014796, OMIM 616840.

Submission:

Women's Health and Genetics/Laboratory Corporation of America, LabCorp
Classification: Likely pathogenic for Autosomal recessive early-onset Parkinson disease 23. Last evaluated: 2026-04-29. Review status: criteria provided, single submitter. Criteria: LabCorp Variant Classification Summary - May 2015. Collection method: clinical testing. Allele origin: germline.
Comment: Variant summary: VPS13C c.385+1G>A is located in a canonical splice-site and is predicted to affect mRNA splicing resulting in a significantly altered protein due to either exon skipping, shortening, or inclusion of intronic material. Variants that disrupt the consensus splice site are a relatively common cause of aberrant splicing and loss of VPS13C function. Several computational tools predict a significant impact on normal splicing: Four predict the variant abolishes a 5' splicing donor site. However, these predictions have yet to be confirmed by functional studies. The variant was absent in 260166 control chromosomes. To our knowledge, no occurrence of c.385+1G>A in individuals affected with VPS13C-related conditions and no experimental evidence demonstrating its impact on protein function have been reported. No submitters have cited clinical-significance assessments for this variant to ClinVar. Based on the evidence outlined above, the variant was classified as likely pathogenic.